The following is an entry in ClinVar:

ClinVar aggregate classification (germline): Uncertain significance (1 of 4 stars; one submission).

Allele frequency attached by ClinVar (database versions not stated): gnomAD exomes below 0.00001.
gnomAD v4.1: 1 of 1,596,604 alleles (0.000063%); highest among the groups gnomAD compares: Non-Finnish European, 0.000085%; no homozygotes.

Submission:

GeneDx
Classification: Uncertain significance. Last evaluated: 2022-03-06. Review status: criteria provided, single submitter. Criteria: GeneDx Variant Classification Process June 2021. Collection method: clinical testing. Allele origin: germline. Affected: yes.
Comment: Not observed in large population cohorts (gnomAD); In silico analysis supports that this missense variant has a deleterious effect on protein structure/function; Has not been previously published as pathogenic or benign to our knowledge

NM_003797.5(EED):c.749A>C (p.Lys250Thr)

Gene: EED (embryonic ectoderm development; plus strand). Cytogenetic location: 11q14.2.
Variant type: single nucleotide variant.
Coding change: c.749A>C on transcript NM_003797.5 (MANE Select); coding-DNA position 749, A replaced by C.
Protein change: p.Lys250Thr; replaces lysine 250 with threonine.
Molecular consequence: missense variant. On other transcripts: intron variant (1).
Genome position (GRCh38, 1-based): chr11:86,266,105, A>C. VCF-style: chr11-86266105-A-C. GRCh37 (hg19) VCF-style: chr11-85977147-A-C.
Other names: c.749A>C, p.Lys250Thr (NM_001308007.2); c.726+1842A>C (NM_001330334.2); short protein forms K250T.
Identifiers: ClinVar variation 1303707 (VCV001303707.3), dbSNP rs2138196928, ClinGen allele CA382004643.